The following is an entry in ClinVar:

ClinVar aggregate classification (germline): Likely benign (1 of 4 stars; one submission).

gnomAD v4.1: 22 of 1,609,788 alleles (0.0014%); highest among the groups gnomAD compares: East Asian, 0.0022%; no homozygotes.

Submission:

CeGaT Center for Human Genetics Tuebingen
Classification: Likely benign. Last evaluated: 2026-04-01. Review status: criteria provided, single submitter. Criteria: CeGaT Center For Human Genetics Tuebingen Variant Classification Criteria Version 2. Collection method: clinical testing. Allele origin: germline. Affected: yes. Observed: 1 variant allele.
Comment: ZFHX4: BP4, BP7

NM_024721.5(ZFHX4):c.5613A>G (p.Glu1871=)

Gene: ZFHX4 (zinc finger homeobox 4; plus strand). Cytogenetic location: 8q21.13.
Variant type: single nucleotide variant.
Coding change: c.5613A>G on transcript NM_024721.5 (MANE Select); coding-DNA position 5613, A replaced by G.
Protein change: p.Glu1871=; no amino-acid change (glutamic acid 1871 retained).
Molecular consequence: synonymous variant.
Genome position (GRCh38, 1-based): chr8:76,852,534, A>G. VCF-style: chr8-76852534-A-G. GRCh37 (hg19) VCF-style: chr8-77764770-A-G.
Other names: c.5535A>G, p.Glu1845= (NM_001410934.1).
Identifiers: ClinVar variation 4874340 (VCV004874340.2).
Genomic context (GRCh38, chr8:76,852,534, plus strand): 5'-TGTGCCATCTTATAAGGAGGCAGAAGATATTTCTGAAAAGCCAGAAAAACCAAAGCAGGA[A>G]TTTATAAGTGAAGGTGAAGGACTCAAAGAAGGCAAAGACACAAAGAAGCAAAAATCCTTG-3'
Protein context (NP_078997.4, residues 1861-1881): ISEKPEKPKQ[Glu1871=]FISEGEGLKE